The following is an entry in ClinVar:

ClinVar aggregate classification (germline): Uncertain significance. Review status: criteria provided, multiple submitters, no conflicts (2 of 4 stars). 7 submissions from 7 submitters: Uncertain significance (7). Last evaluated 2025-07-15.

Conditions:
Familial thoracic aortic aneurysm and aortic dissection (TAAD). Also called: Thoracic aortic aneurysms and dissections. Identifiers: Orphanet 91387, MedGen C4707243, MONDO:0019625.
Aortic aneurysm, familial thoracic 4 (AAT4). Also called: AORTIC ANEURYSM/AORTIC DISSECTION AND PATENT DUCTUS ARTERIOSUS. Identifiers: MedGen C1851504, MONDO:0007568, OMIM 132900.
Visceral myopathy 2. Identifiers: MedGen C5543466, MONDO:0859157, OMIM 619350.
Megacystis-microcolon-intestinal hypoperistalsis syndrome 2. Identifiers: MedGen C5543476, MONDO:0025708, OMIM 619351.

Allele frequency attached by ClinVar (database versions not stated): TOPMed 0.00002; gnomAD 0.00003; ExAC 0.00004; gnomAD exomes 0.00004.
gnomAD v4.1: 29 of 1,612,578 alleles (0.0018%); highest among the groups gnomAD compares: East Asian, 0.025%; no homozygotes.

Submissions (7):

Ambry Genetics
Classification: Uncertain significance for Familial thoracic aortic aneurysm and aortic dissection. Last evaluated: 2025-07-15. Review status: criteria provided, single submitter. Criteria: Ambry Variant Classification Scheme 2023. Collection method: clinical testing. Allele origin: germline.
Comment: The p.D1270N variant (also known as c.3808G>A), located in coding exon 27 of the MYH11 gene, results from a G to A substitution at nucleotide position 3808. The aspartic acid at codon 1270 is replaced by asparagine, an amino acid with highly similar properties. This amino acid position is well conserved in available vertebrate species. In addition, this alteration is predicted to be tolerated by in silico analysis. Based on the available evidence, the clinical significance of this variant remains unclear.

Labcorp Genetics (formerly Invitae), Labcorp
Classification: Uncertain significance for Aortic aneurysm, familial thoracic 4. Last evaluated: 2025-07-08. Review status: criteria provided, single submitter. Criteria: Invitae Variant Classification Sherloc (09022015). Collection method: clinical testing. Allele origin: germline.
Comment: This sequence change replaces aspartic acid, which is acidic and polar, with asparagine, which is neutral and polar, at codon 1277 of the MYH11 protein (p.Asp1277Asn). This variant is present in population databases (rs770319821, gnomAD 0.03%). This missense change has been observed in individual(s) with thoracic aortic aneurysms and dissections (PMID: 36517271). This variant is also known as c.3808G>A (p.Asp1270Asn). ClinVar contains an entry for this variant (Variation ID: 811383). Invitae Evidence Modeling of protein sequence and biophysical properties (such as structural, functional, and spatial information, amino acid conservation, physicochemical variation, residue mobility, and thermodynamic stability) indicates that this missense variant is not expected to disrupt MYH11 protein function with a negative predictive value of 95%. In summary, the available evidence is currently insufficient to determine the role of this variant in disease. Therefore, it has been classified as a Variant of Uncertain Significance.

All of Us Research Program, National Institutes of Health
Classification: Uncertain significance for Familial thoracic aortic aneurysm and aortic dissection. Last evaluated: 2024-05-09. Review status: criteria provided, single submitter. Criteria: ACMG Guidelines, 2015. Collection method: clinical testing. Allele origin: germline. Inheritance: Autosomal dominant inheritance. Observed: 7 variant alleles, 7 heterozygotes.
Comment: This missense variant replaces aspartic acid with asparagine at codon 1277 of the MYH11 protein. Computational prediction is inconclusive regarding the impact of this variant on protein structure and function (internally defined REVEL score threshold 0.5 < inconclusive < 0.7, PMID: 27666373). To our knowledge, functional studies have not been reported for this variant. This variant has not been reported in individuals affected with cardiovascular disorders in the literature. This variant has been identified in 12/281844 chromosomes in the general population by the Genome Aggregation Database (gnomAD). The available evidence is insufficient to determine the role of this variant in disease conclusively. Therefore, this variant is classified as a Variant of Uncertain Significance.

This study involves interpretation of variants in research participants for the purpose of population health screening. Participant phenotype was not available at the time of variant classification. Additional details can be found in publication PMID: 35346344, PMCID: PMC8962531

Color Diagnostics, LLC DBA Color Health
Classification: Uncertain significance for Familial thoracic aortic aneurysm and aortic dissection. Last evaluated: 2024-03-06. Review status: criteria provided, single submitter. Criteria: ACMG Guidelines, 2015. Collection method: clinical testing. Allele origin: germline.
Comment: This missense variant replaces aspartic acid with asparagine at codon 1277 of the MYH11 protein. Computational prediction is inconclusive regarding the impact of this variant on protein structure and function (internally defined REVEL score threshold 0.5 < inconclusive < 0.7, PMID: 27666373). To our knowledge, functional studies have not been reported for this variant. This variant has not been reported in individuals affected with MYH11-related disorders in the literature. This variant has been identified in 12/281844 chromosomes in the general population by the Genome Aggregation Database (gnomAD). The available evidence is insufficient to determine the role of this variant in disease conclusively. Therefore, this variant is classified as a Variant of Uncertain Significance.

Fulgent Genetics
Classification: Uncertain significance for Aortic aneurysm, familial thoracic 4; Visceral myopathy 2; Megacystis-microcolon-intestinal hypoperistalsis syndrome 2. Last evaluated: 2021-09-17. Review status: criteria provided, single submitter. Criteria: ACMG Guidelines, 2015. Collection method: clinical testing. Allele origin: unknown.

AiLife Diagnostics
Classification: Uncertain significance. Last evaluated: 2020-05-08. Review status: criteria provided, single submitter. Criteria: ACMG Guidelines, 2015. Collection method: clinical testing. Allele origin: germline. Affected: yes. Observed: 1 variant allele.

ARUP Laboratories, Molecular Genetics and Genomics, ARUP Laboratories
Classification: Uncertain significance for Aortic aneurysm, familial thoracic 4. Last evaluated: 2019-04-19. Review status: criteria provided, single submitter. Criteria: ARUP Molecular Germline Variant Investigation Process. Collection method: clinical testing. Allele origin: germline.
Comment: The MYH11 c.3808G>A; p.Asp1270Asn variant (rs770319821), to our knowledge, has not been reported in the medical literature or gene specific databases. This variant is found in the general population with an allele frequency in East Asian populations of 0.04% (8/19,952 alleles) in the Genome Aggregation Database. The aspartic acid at codon 1270 is moderately conserved (Alamut v.2.11) and computational analyses (SIFT, PolyPhen-2) predict that this variant is deleterious. However, based on the available information, the clinical significance of this variant is uncertain.

Literature cited by the submitters: PubMed 36517271 (cited by Labcorp Genetics (formerly Invitae), Labcorp).

NM_002474.3(MYH11):c.3808G>A (p.Asp1270Asn)

Gene: MYH11 (myosin heavy chain 11; minus strand). Cytogenetic location: 16p13.11.
Variant type: single nucleotide variant.
Coding change: c.3808G>A on transcript NM_002474.3 (MANE Select); coding-DNA position 3808, G replaced by A.
Protein change: p.Asp1270Asn; replaces aspartic acid 1270 with asparagine.
Molecular consequence: missense variant.
Genome position (GRCh38, 1-based): chr16:15,726,898, C>T on the plus strand (G>A on the coding strand, the complement: MYH11 is on the minus strand). VCF-style: chr16-15726898-C-T. GRCh37 (hg19) VCF-style: chr16-15820755-C-T.
Other names: c.3808G>A (NM_002474.2); c.3829G>A, p.Asp1277Asn (NM_001040113.2, NM_001040114.2); c.3808G>A, p.Asp1270Asn (NM_022844.3); short protein forms D1270N, D1277N.
Identifiers: ClinVar variation 811383 (VCV000811383.23), dbSNP rs770319821, ClinGen allele CA7921886.